The following is an entry in ClinVar:

NM_025233.7(COASY):c.1632+3T>G

Gene: COASY (Coenzyme A synthase; plus strand). Cytogenetic location: 17q21.2.
Variant type: single nucleotide variant.
Coding change: c.1632+3T>G on transcript NM_025233.7 (MANE Select); 3 bases into the intron after coding-DNA position 1632, T replaced by G.
Molecular consequence: intron variant.
Genome position (GRCh38, 1-based): chr17:42,565,808, T>G. VCF-style: chr17-42565808-T-G. GRCh37 (hg19) VCF-style: chr17-40717826-T-G.
Other names: c.1719+3T>G (NM_001042532.4); c.1632+3T>G (NM_001042529.3).
Identifiers: ClinVar variation 639078 (VCV000639078.11), dbSNP rs1597715924, ClinGen allele CA915950013.

ClinVar aggregate classification (germline): Uncertain significance (1 of 4 stars; one submission).

Conditions:
Neurodegeneration with brain iron accumulation 6 (NBIA6). Also called: COASY protein-associated neurodegeneration. Identifiers: Orphanet 397725, MedGen C4517377, MONDO:0014290, OMIM 615643.

Submission:

Labcorp Genetics (formerly Invitae), Labcorp
Classification: Uncertain significance for Neurodegeneration with brain iron accumulation 6. Last evaluated: 2022-07-18. Review status: criteria provided, single submitter. Criteria: Invitae Variant Classification Sherloc (09022015). Collection method: clinical testing. Allele origin: germline.
Comment: In summary, the available evidence is currently insufficient to determine the role of this variant in disease. Therefore, it has been classified as a Variant of Uncertain Significance. Variants that disrupt the consensus splice site are a relatively common cause of aberrant splicing (PMID: 17576681, 9536098). Algorithms developed to predict the effect of sequence changes on RNA splicing suggest that this variant is not likely to affect RNA splicing. ClinVar contains an entry for this variant (Variation ID: 639078). This variant has not been reported in the literature in individuals affected with COASY-related conditions. This variant is not present in population databases (gnomAD no frequency). This sequence change falls in intron 8 of the COASY gene. It does not directly change the encoded amino acid sequence of the COASY protein. It affects a nucleotide within the consensus splice site.

Literature cited by the submitters: PubMed 17576681 (cited by Labcorp Genetics (formerly Invitae), Labcorp); PubMed 9536098 (cited by Labcorp Genetics (formerly Invitae), Labcorp).